The following is an entry in ClinVar:

ClinVar aggregate classification (germline): Likely pathogenic (1 of 4 stars; one submission).

Conditions:
Hereditary cancer-predisposing syndrome. Also called: Neoplastic Syndromes, Hereditary; Tumor predisposition; Hereditary Cancer Syndrome; Hereditary neoplastic syndrome. Identifiers: Orphanet 140162, MedGen C0027672, MeSH D009386, MONDO:0015356.

Submission:

Ambry Genetics
Classification: Likely pathogenic for Hereditary cancer-predisposing syndrome. Last evaluated: 2016-06-24. Review status: criteria provided, single submitter. Criteria: Ambry Variant Classification Scheme 2023. Collection method: clinical testing. Allele origin: germline.
Comment: The c.1225+1G>A intronic variant results from a G to A substitution one nucleotide after coding exon 10 of the MRE11A gene. This variant was not reported in population based cohorts in the following databases: Database of Single Nucleotide Polymorphisms (dbSNP), NHLBI Exome Sequencing Project (ESP), and 1000 Genomes Project. In the ESP, this variant was not observed in 6499 samples (12998 alleles) with coverage at this position. To date, this alteration has been detected with an allele frequency of approximately 0.001% (greater than 120000 alleles tested) in our clinical cohort. This nucleotide position is highly conserved in available vertebrate species. Using the BDGP and ESEfinder splice site prediction tools, this alteration is predicted to abolish the native splice donor site; however, direct evidence is unavailable. Alterations that disrupt the canonical splice donor site are typically deleterious in nature (ACMG Recommendations for Standards for Interpretation and Reporting of Sequence Variations. Revision 2007. Genet Med. 2008;10:294). As such, the c.1225+1G>A variant is classified as likely pathogenic.

NM_005591.4(MRE11):c.1225+1G>A

Gene: MRE11 (MRE11 double strand break repair nuclease; minus strand). Cytogenetic location: 11q21.
Variant type: single nucleotide variant.
Coding change: c.1225+1G>A on transcript NM_005591.4 (MANE Select); the canonical splice donor site of the intron after coding-DNA position 1225, G replaced by A.
Molecular consequence: splice donor variant.
Genome position (GRCh38, 1-based): chr11:94,464,112, C>T on the plus strand (G>A on the coding strand, the complement: MRE11 is on the minus strand). VCF-style: chr11-94464112-C-T. GRCh37 (hg19) VCF-style: chr11-94197278-C-T.
Other names: c.1225+1G>A (NM_001330347.2, NM_005590.4).
Identifiers: ClinVar variation 230608 (VCV000230608.5), dbSNP rs876658665, ClinGen allele CA10579383.